The following is an entry in ClinVar:

NM_152564.5(VPS13B):c.1572C>A (p.Tyr524Ter)

Gene: VPS13B (vacuolar protein sorting 13 homolog B; plus strand). Cytogenetic location: 8q22.2.
Variant type: single nucleotide variant.
Coding change: c.1572C>A on transcript NM_152564.5 (MANE Select); coding-DNA position 1572, C replaced by A.
Protein change: p.Tyr524Ter; replaces tyrosine 524 with a stop codon.
Molecular consequence: nonsense.
Genome position (GRCh38, 1-based): chr8:99,136,673, C>A. VCF-style: chr8-99136673-C-A. GRCh37 (hg19) VCF-style: chr8-100148901-C-A.
Other names: c.1572C>A, p.Tyr524Ter (NM_015243.3, NM_017890.5); short protein forms Y524*.
Identifiers: ClinVar variation 4993070 (VCV004993070.1).

ClinVar aggregate classification (germline): Likely pathogenic (1 of 4 stars; one submission).

Conditions:
VPS13B-related disorder. Also called: VPS13B-related condition.

Submission:

PreventionGenetics, part of Exact Sciences
Classification: Likely pathogenic for VPS13B-related condition. Last evaluated: 2026-04-15. Review status: criteria provided, single submitter. Criteria: ACMG Guidelines, 2015. Collection method: clinical testing. Allele origin: germline.
Comment: The VPS13B c.1572C>A variant is predicted to result in premature protein termination (p.Tyr524*). To our knowledge, this variant has not been reported in the literature or in a large population database (gnomAD), indicating this variant is rare. Nonsense variants in VPS13B are expected to be pathogenic. This variant is interpreted as likely pathogenic.